The following is an entry in ClinVar:

ClinVar aggregate classification (germline): Uncertain significance (1 of 4 stars; one submission).

Conditions:
Jervell and Lange-Nielsen syndrome 1 (JLNS1). Also called: PROLONGED QT INTERVAL IN EKG AND SUDDEN DEATH; SURDO-CARDIAC SYNDROME; CARDIOAUDITORY SYNDROME OF JERVELL AND LANGE-NIELSEN; DEAFNESS, CONGENITAL, AND FUNCTIONAL HEART DISEASE. Identifiers: Orphanet 768, Orphanet 90647, MedGen C4551509, MONDO:0024540, OMIM 220400.

Submission:

Neuberg Centre For Genomic Medicine, NCGM
Classification: Uncertain significance for Jervell and Lange-Nielsen syndrome 1. Last evaluated: 2023-07-22. Review status: criteria provided, single submitter. Criteria: ACMG Guidelines, 2015. Collection method: clinical testing. Allele origin: germline. Inheritance: Autosomal recessive inheritance. Affected: yes.
Comment: The observed missense c.22C>Ap.Pro8Thr variant in KCNQ1 gene has not been reported previously as a pathogenic variant nor a benign variant, to our knowledge. The p.Pro8Thr variant is absent in gnomAD Exomes. This variant has not been submitted to the ClinVar database. Multiple lines of computational evidences Polyphen - Benign, SIFT - Tolerated and MutationTaster - Polymorphism predict no damaging effect on protein structure and function for this variant. The reference amino acid change at this position on KCNQ1 gene is predicted as conserved by GERP++ and PhyloP across 100 vertebrates. The amino acid Pro at position 8 is changed to a Thr changing protein sequence and it might alter its composition and physico-chemical properties. For these reasons, this variant has been classified as a Variant of Uncertain Significance VUS. In absence of another reportable variant in KCNQ1 gene, the molecular diagnosis is not confirmed.

NM_000218.3(KCNQ1):c.22C>A (p.Pro8Thr)

Gene: KCNQ1 (potassium voltage-gated channel subfamily Q member 1; plus strand). Cytogenetic location: 11p15.5.
Variant type: single nucleotide variant.
Coding change: c.22C>A on transcript NM_000218.3 (MANE Select); coding-DNA position 22, C replaced by A.
Protein change: p.Pro8Thr; replaces proline 8 with threonine.
Molecular consequence: missense variant. On other transcripts: 5 prime UTR variant (1).
Genome position (GRCh38, 1-based): chr11:2,445,120, C>A. VCF-style: chr11-2445120-C-A. GRCh37 (hg19) VCF-style: chr11-2466350-C-A.
Other names: c.22C>A, p.Pro8Thr (NM_001406836.1, NM_001406838.1); c.-341C>A (NM_001406837.1); short protein forms P8T.
Identifiers: ClinVar variation 3391359 (VCV003391359.1).